The following is an entry in ClinVar:

NM_001024845.3(SLC6A9):c.1869T>C (p.Asn623=)

Gene: SLC6A9 (solute carrier family 6 member 9; minus strand). Cytogenetic location: 1p34.1.
Variant type: single nucleotide variant.
Coding change: c.1869T>C on transcript NM_001024845.3 (MANE Select); coding-DNA position 1869, T replaced by C.
Protein change: p.Asn623=; no amino-acid change (asparagine 623 retained).
Molecular consequence: synonymous variant. On other transcripts: non-coding transcript variant (1).
Genome position (GRCh38, 1-based): chr1:43,997,578, A>G on the plus strand (T>C on the coding strand, the complement: SLC6A9 is on the minus strand). VCF-style: chr1-43997578-A-G. GRCh37 (hg19) VCF-style: chr1-44463250-A-G.
Other names: c.1881T>C, p.Asn627= (NM_001261380.2); c.1536T>C, p.Asn512= (NM_001328626.2); c.1806T>C, p.Asn602= (NM_001328627.1); c.1674T>C, p.Asn558= (NM_001328628.1); c.1869T>C, p.Asn623= (NM_001328629.1); c.1365T>C, p.Asn455= (NM_001328630.2); c.1926T>C, p.Asn642= (NM_006934.4); c.2088T>C, p.Asn696= (NM_201649.4).
Identifiers: ClinVar variation 3388251 (VCV003388251.16).

ClinVar aggregate classification (germline): Likely benign. Review status: criteria provided, multiple submitters, no conflicts (2 of 4 stars). 2 submissions from 2 submitters: Likely benign (2). Last evaluated 2024-09-02.

Conditions:
Atypical glycine encephalopathy. Also called: Glycine encephalopathy with normal serum glycine. Identifiers: Orphanet 289863, MedGen C4310943, MONDO:0015010, OMIM 617301.

Submissions (2):

Labcorp Genetics (formerly Invitae), Labcorp
Classification: Likely benign for Atypical glycine encephalopathy. Last evaluated: 2024-09-02. Review status: criteria provided, single submitter. Criteria: Invitae Variant Classification Sherloc (09022015). Collection method: clinical testing. Allele origin: germline.

CeGaT Center for Human Genetics Tuebingen
Classification: Likely benign. Last evaluated: 2024-09-01. Review status: criteria provided, single submitter. Criteria: CeGaT Center For Human Genetics Tuebingen Variant Classification Criteria Version 2. Collection method: clinical testing. Allele origin: germline. Affected: yes. Observed: 1 variant allele.
Comment: SLC6A9: BP4, BP7